The following is an entry in ClinVar:

NM_000525.4(KCNJ11):c.100C>G (p.Arg34Gly)

Gene: KCNJ11 (potassium inwardly rectifying channel subfamily J member 11; minus strand). Cytogenetic location: 11p15.1.
Variant type: single nucleotide variant.
Coding change: c.100C>G on transcript NM_000525.4 (MANE Select); coding-DNA position 100, C replaced by G.
Protein change: p.Arg34Gly; replaces arginine 34 with glycine.
Molecular consequence: missense variant. On other transcripts: intron variant (3).
Genome position (GRCh38, 1-based): chr11:17,387,992, G>C on the plus strand (C>G on the coding strand, the complement: KCNJ11 is on the minus strand). VCF-style: chr11-17387992-G-C. GRCh37 (hg19) VCF-style: chr11-17409539-G-C.
Other names: c.100C>G (NM_000525.3); c.-16-146C>G (NM_001166290.2, NM_001377297.1); c.-17+26C>G (NM_001377296.1); short protein forms R34G.
Identifiers: ClinVar variation 3907675 (VCV003907675.2).

ClinVar aggregate classification (germline): Likely pathogenic. Review status: criteria provided, single submitter (1 of 4 stars). 2 submissions from 2 submitters: Likely pathogenic (1). 1 of the submissions does not count toward it. Last evaluated 2025-05-20.

Conditions:
Hyperinsulinemic hypoglycemia, familial, 2. Also called: HYPERINSULINEMIC HYPOGLYCEMIA, PERSISTENT; HYPERINSULINISM, NEONATAL. Identifiers: Orphanet 276580, Orphanet 276603, MedGen C2931833, MONDO:0011153, OMIM 601820. Disease mechanism: loss of function.
Permanent neonatal diabetes mellitus (PNDM). Identifiers: Orphanet 99885, MedGen C1833104, MONDO:0100164, MONDO:0011643. Disease mechanism: gain of function.

Submissions (2):

MVZ Medizinische Genetik Mainz
Classification: Likely pathogenic for Hyperinsulinemic hypoglycemia, familial, 2. Last evaluated: 2025-05-20. Review status: criteria provided, single submitter. Criteria: UK Practice Guidelines For Variant Classification V4 01 2020. Collection method: clinical testing. Allele origin: germline. Inheritance: Autosomal recessive inheritance. Affected: yes. Observed: 1 variant allele.
Comment: ACMG Criteria: PM3,PM5,PP3_MOD,PM2_SUP,PP4; Compound Heterozygote

Natera, Inc.
Classification: Uncertain significance for Permanent neonatal diabetes mellitus. Last evaluated: 2025-03-11. Review status: no assertion criteria provided. Collection method: clinical testing. Allele origin: germline. Not counted in ClinVar's aggregate classification.